The following is an entry in ClinVar:

ClinVar aggregate classification (germline): Uncertain significance (1 of 4 stars; one submission).

gnomAD v4.1: 1 of 1,583,238 alleles (0.000063%); highest among the groups gnomAD compares: Non-Finnish European, 0.000086%; no homozygotes.

Submission:

Labcorp Genetics (formerly Invitae), Labcorp
Classification: Uncertain significance. Last evaluated: 2025-12-15. Review status: criteria provided, single submitter. Criteria: Invitae Variant Classification Sherloc (09022015). Collection method: clinical testing. Allele origin: germline.
Comment: This sequence change replaces glutamine, which is neutral and polar, with arginine, which is basic and polar, at codon 399 of the ANGPT1 protein (p.Gln399Arg). This variant is not present in population databases (gnomAD no frequency). This variant has not been reported in the literature in individuals affected with ANGPT1-related conditions. An algorithm developed to predict the effect of missense changes on protein structure and function (PolyPhen-2) suggests that this variant is likely to be disruptive. In summary, the available evidence is currently insufficient to determine the role of this variant in disease. Therefore, it has been classified as a Variant of Uncertain Significance.

NM_001146.5(ANGPT1):c.1196A>G (p.Gln399Arg)

Gene: ANGPT1 (angiopoietin 1; minus strand). Cytogenetic location: 8q23.1.
Variant type: single nucleotide variant.
Coding change: c.1196A>G on transcript NM_001146.5 (MANE Select); coding-DNA position 1196, A replaced by G.
Protein change: p.Gln399Arg; replaces glutamine 399 with arginine.
Molecular consequence: missense variant.
Genome position (GRCh38, 1-based): chr8:107,284,691, T>C on the plus strand (A>G on the coding strand, the complement: ANGPT1 is on the minus strand). VCF-style: chr8-107284691-T-C. GRCh37 (hg19) VCF-style: chr8-108296919-T-C.
Other names: c.1193A>G, p.Gln398Arg (NM_001199859.3); c.596A>G, p.Gln199Arg (NM_001314051.2); short protein forms Q199R, Q398R, Q399R.
Identifiers: ClinVar variation 4810385 (VCV004810385.1).